The following is an entry in ClinVar:

NM_053025.4(MYLK):c.999G>A (p.Pro333=)

Gene: MYLK (myosin light chain kinase; minus strand). Cytogenetic location: 3q21.1.
Variant type: single nucleotide variant.
Coding change: c.999G>A on transcript NM_053025.4 (MANE Select); coding-DNA position 999, G replaced by A.
Protein change: p.Pro333=; no amino-acid change (proline 333 retained).
Molecular consequence: synonymous variant.
Genome position (GRCh38, 1-based): chr3:123,733,997, C>T on the plus strand (G>A on the coding strand, the complement: MYLK is on the minus strand). VCF-style: chr3-123733997-C-T. GRCh37 (hg19) VCF-style: chr3-123452844-C-T.
Other names: p.Pro333=; c.471G>A, p.Pro157= (NM_001321309.2); c.999G>A, p.Pro333= (NM_053026.4, NM_053027.4, NM_053028.4).
Identifiers: ClinVar variation 262298 (VCV000262298.81), dbSNP rs13319347, ClinGen allele CA073829.

ClinVar aggregate classification (germline): Conflicting classifications of pathogenicity. Review status: criteria provided, conflicting classifications (1 of 4 stars). 16 submissions from 16 submitters: Uncertain significance (1); Benign (1); Likely benign (10). 4 of the submissions do not count toward it. Last evaluated 2026-03-27.

Conditions:
Familial thoracic aortic aneurysm and aortic dissection (TAAD). Also called: Thoracic aortic aneurysms and dissections. Identifiers: Orphanet 91387, MedGen C4707243, MONDO:0019625.
Aortic aneurysm, familial thoracic 7 (AAT7). Also called: AORTIC DISSECTION, FAMILIAL, WITH OR WITHOUT AORTIC ANEURYSM. Identifiers: MedGen C3151077, MONDO:0013418, OMIM 613780.

Allele frequency attached by ClinVar (database versions not stated): 1000 Genomes Project 30x 0.00016; gnomAD 0.00045; TOPMed 0.00058; ESP Exome Variant Server 0.00069.
gnomAD v4.1: 1,196 of 1,614,206 alleles (0.074%); highest among the groups gnomAD compares: Non-Finnish European, 0.096%; 1 homozygote.

Submissions (16):

Molecular Diagnostic Laboratory for Inherited Cardiovascular Disease, Montreal Heart Institute
Classification: Likely benign. Last evaluated: 2026-03-27. Review status: criteria provided, single submitter. Criteria: ACMG Guidelines, 2015. Collection method: clinical testing. Allele origin: germline. Affected: no.

Labcorp Genetics (formerly Invitae), Labcorp
Classification: Likely benign for Aortic aneurysm, familial thoracic 7. Last evaluated: 2026-01-28. Review status: criteria provided, single submitter. Criteria: Invitae Variant Classification Sherloc (09022015). Collection method: clinical testing. Allele origin: germline.

Mayo Clinic Laboratories, Mayo Clinic
Classification: Likely benign. Last evaluated: 2025-09-09. Review status: criteria provided, single submitter. Criteria: ACMG Guidelines, 2015. Collection method: clinical testing. Allele origin: germline. Observed: 3 variant alleles.
Comment: BS1, BP4, BP7

ARUP Laboratories, Molecular Genetics and Genomics, ARUP Laboratories
Classification: Likely benign. Last evaluated: 2025-03-31. Review status: criteria provided, single submitter. Criteria: ARUP Molecular Germline Variant Investigation Process 2024. Collection method: clinical testing. Allele origin: germline.

Blueprint Genetics
Classification: Likely benign. Last evaluated: 2024-11-22. Review status: criteria provided, single submitter. Criteria: ACMG Guidelines, 2015. Collection method: clinical testing. Allele origin: germline.

CHEO Genetics Diagnostic Laboratory, Children's Hospital of Eastern Ontario
Classification: Likely benign for Familial thoracic aortic aneurysm and aortic dissection. Last evaluated: 2023-03-10. Review status: criteria provided, single submitter. Criteria: ACMG Guidelines, 2015. Collection method: clinical testing. Allele origin: germline.

CeGaT Center for Human Genetics Tuebingen
Classification: Likely benign. Last evaluated: 2020-12-01. Review status: criteria provided, single submitter. Criteria: CeGaT Center For Human Genetics Tuebingen Variant Classification Criteria Version 2. Collection method: clinical testing. Allele origin: germline. Affected: yes. Observed: 2 variant alleles.

Women's Health and Genetics/Laboratory Corporation of America, LabCorp
Classification: Benign. Last evaluated: 2020-10-08. Review status: criteria provided, single submitter. Criteria: LabCorp Variant Classification Summary - May 2015. Collection method: clinical testing. Allele origin: germline.

GeneDx
Classification: Likely benign. Last evaluated: 2020-07-10. Review status: criteria provided, single submitter. Criteria: GeneDx Variant Classification Process June 2021. Collection method: clinical testing. Allele origin: germline. Affected: yes.

Illumina Laboratory Services, Illumina
Classification: Uncertain significance for Aortic aneurysm, familial thoracic 7. Last evaluated: 2018-01-13. Review status: criteria provided, single submitter. Criteria: ICSL Variant Classification Criteria 13 December 2019. Collection method: clinical testing. Allele origin: germline.

Ambry Genetics
Classification: Likely benign for Familial thoracic aortic aneurysm and aortic dissection. Last evaluated: 2015-06-23. Review status: criteria provided, single submitter. Criteria: Ambry Variant Classification Scheme 2023. Collection method: clinical testing. Allele origin: germline.

PreventionGenetics, part of Exact Sciences
Classification: Likely benign. Review status: criteria provided, single submitter. Criteria: ACMG Guidelines, 2015. Collection method: clinical testing. Allele origin: germline.

Clinical Genetics DNA and cytogenetics Diagnostics Lab, Erasmus MC, Erasmus Medical Center
Classification: Likely benign. Review status: no assertion criteria provided. Collection method: clinical testing. Allele origin: germline. Affected: yes. Study: VKGL Data-share Consensus. Not counted in ClinVar's aggregate classification.

Genome Diagnostics Laboratory, Amsterdam University Medical Center
Classification: Likely benign. Review status: no assertion criteria provided. Collection method: clinical testing. Allele origin: germline. Affected: yes. Study: VKGL Data-share Consensus. Not counted in ClinVar's aggregate classification.

Genome Diagnostics Laboratory, University Medical Center Utrecht
Classification: Likely benign. Review status: no assertion criteria provided. Collection method: clinical testing. Allele origin: germline. Affected: yes. Study: VKGL Data-share Consensus. Not counted in ClinVar's aggregate classification.

Joint Genome Diagnostic Labs from Nijmegen and Maastricht, Radboudumc and MUMC+
Classification: Likely benign. Review status: no assertion criteria provided. Collection method: clinical testing. Allele origin: germline. Affected: yes. Study: VKGL Data-share Consensus. Not counted in ClinVar's aggregate classification.